The following is an entry in ClinVar:

NM_004006.3(DMD):c.8344_8359dup (p.Ser2787fs)

Gene: DMD (dystrophin; minus strand). Cytogenetic location: Xp21.1.
Variant type: Duplication.
Coding change: c.8344_8359dup on transcript NM_004006.3 (MANE Select); coding-DNA positions 8344 to 8359, 16 bases duplicated (ATGAACTTCAAGTGGA).
Protein change: p.Ser2787fs; shifts the reading frame from serine 2787.
Molecular consequence: frameshift variant.
Genome position (GRCh38, 1-based): chrX:31,507,312-31,507,327, TCCACTTGAAGTTCAT duplicated on the plus strand (ATGAACTTCAAGTGGA on the coding strand, the reverse complement: DMD is on the minus strand). VCF-style (leftmost placement, unchanged base first): chrX-31507311-C-CTCCACTTGAAGTTCAT. GRCh37 (hg19) VCF-style: chrX-31525428-C-CTCCACTTGAAGTTCAT.
Other names: c.8320_8335dup, p.Ser2779fs (NM_000109.4); c.8332_8347dup, p.Ser2783fs (NM_004009.3); c.7975_7990dup, p.Ser2664fs (NM_004010.3); c.4321_4336dup, p.Ser1446fs (NM_004011.4); c.4312_4327dup, p.Ser1443fs (NM_004012.4); c.964_979dup, p.Ser327fs (NM_004013.3, NM_004020.4, NM_004021.3 and 2 more transcripts); c.157_172dup, p.Ser58fs (NM_004014.3); short protein forms S1443fs, S2783fs, S2779fs, S1446fs, S2787fs, S2664fs, S327fs, S58fs.
Identifiers: ClinVar variation 1453655 (VCV001453655.6), dbSNP rs2147175548, ClinGen allele CA2573158624.

ClinVar aggregate classification (germline): Pathogenic (1 of 4 stars; one submission).

Conditions:
Duchenne muscular dystrophy (DMD). Also called: Duchenne Muscular Dystrophy (DMD); MUSCULAR DYSTROPHY, PSEUDOHYPERTROPHIC PROGRESSIVE, DUCHENNE TYPE. Identifiers: Orphanet 98896, MedGen C0013264, MONDO:0010679, OMIM 310200.

Submission:

Labcorp Genetics (formerly Invitae), Labcorp
Classification: Pathogenic for Duchenne muscular dystrophy. Last evaluated: 2021-07-28. Review status: criteria provided, single submitter. Criteria: Invitae Variant Classification Sherloc (09022015). Collection method: clinical testing. Allele origin: germline.
Comment: For these reasons, this variant has been classified as Pathogenic. This variant has not been reported in the literature in individuals affected with DMD-related conditions. This variant is not present in population databases (ExAC no frequency). This sequence change creates a premature translational stop signal (p.Ser2787Asnfs*7) in the DMD gene. It is expected to result in an absent or disrupted protein product. Loss-of-function variants in DMD are known to be pathogenic (PMID: 16770791, 25007885).

Literature cited by the submitters: PubMed 16770791; PubMed 25007885.